The following is an entry in ClinVar:

NM_000282.4(PCCA):c.1318G>A (p.Asp440Asn)

Gene: PCCA (propionyl-CoA carboxylase subunit alpha; plus strand). Cytogenetic location: 13q32.3.
Variant type: single nucleotide variant.
Coding change: c.1318G>A on transcript NM_000282.4 (MANE Select); coding-DNA position 1318, G replaced by A.
Protein change: p.Asp440Asn; replaces aspartic acid 440 with asparagine.
Molecular consequence: missense variant. On other transcripts: non-coding transcript variant (5).
Genome position (GRCh38, 1-based): chr13:100,307,225, G>A. VCF-style: chr13-100307225-G-A. GRCh37 (hg19) VCF-style: chr13-100959479-G-A.
Other names: c.1240G>A, p.Asp414Asn (NM_001127692.3, NM_001352607.2); c.1318G>A, p.Asp440Asn (NM_001178004.2, NM_001352605.2, NM_001352609.2); c.1174G>A, p.Asp392Asn (NM_001352606.2); c.1096G>A, p.Asp366Asn (NM_001352608.2); c.373G>A, p.Asp125Asn (NM_001352610.2, NM_001352611.2); c.229G>A, p.Asp77Asn (NM_001352612.2); short protein forms D440N, D125N, D366N, D392N, D414N, D77N.
Identifiers: ClinVar variation 2806878 (VCV002806878.3), dbSNP rs2548142843, ClinGen allele CA388695651.
Genomic context (GRCh38, chr13:100,307,225, plus strand): 5'-TTTTCTTTTTTTCTTTTTTTCTCCCAGGTCCGAGTGGACAGTGGCATCCAACCAGGAAGT[G>A]ATATTAGCATTTATTATGATCCTATGATTTCAAAAGTTAGTTTAATTTCTCAATGGATTA-3'
Protein context (NP_000273.2, residues 430-450): RVDSGIQPGS[Asp440Asn]ISIYYDPMIS

ClinVar aggregate classification (germline): Uncertain significance (1 of 4 stars; one submission).

Conditions:
Propionic acidemia (PROP). Also called: GLYCINEMIA, KETOTIC; HYPERGLYCINEMIA WITH KETOACIDOSIS AND LEUKOPENIA; KETOTIC HYPERGLYCINEMIA. Identifiers: Orphanet 35, MedGen C0268579, MONDO:0011628, OMIM 606054, HP:0003571.

Submission:

Labcorp Genetics (formerly Invitae), Labcorp
Classification: Uncertain significance for Propionic acidemia. Last evaluated: 2025-06-22. Review status: criteria provided, single submitter. Criteria: Invitae Variant Classification Sherloc (09022015). Collection method: clinical testing. Allele origin: germline.
Comment: This sequence change replaces aspartic acid, which is acidic and polar, with asparagine, which is neutral and polar, at codon 440 of the PCCA protein (p.Asp440Asn). This variant is not present in population databases (gnomAD no frequency). This variant has not been reported in the literature in individuals affected with PCCA-related conditions. ClinVar contains an entry for this variant (Variation ID: 2806878). Invitae Evidence Modeling of protein sequence and biophysical properties (such as structural, functional, and spatial information, amino acid conservation, physicochemical variation, residue mobility, and thermodynamic stability) has been performed for this missense variant. However, the output from this modeling did not meet the statistical confidence thresholds required to predict the impact of this variant on PCCA protein function. In summary, the available evidence is currently insufficient to determine the role of this variant in disease. Therefore, it has been classified as a Variant of Uncertain Significance.